The following is an entry in ClinVar:

ClinVar aggregate classification (germline): Uncertain significance. Review status: criteria provided, multiple submitters, no conflicts (2 of 4 stars). 3 submissions from 3 submitters: Uncertain significance (3). Last evaluated 2019-10-07.

Conditions:
Hypertrophic cardiomyopathy 1 (CMH1). Also called: MYH7-Related Familial Hypertrophic Cardiomyopathy; Familial hypertrophic cardiomyopathy 1. Identifiers: MedGen C3495498, MONDO:0008647, OMIM 192600.
Cardiomyopathy (CMYO). Also called: Cardiomyopathies. Identifiers: Orphanet 167848, MedGen C0878544, MONDO:0004994, HP:0001638. Inheritance: Various modes of inheritance.

Allele frequency attached by ClinVar (database versions not stated): gnomAD exomes 0.00001.
gnomAD v4.1: 5 of 1,607,520 alleles (0.00031%); highest among the groups gnomAD compares: South Asian, 0.0011%; no homozygotes.

Submissions (3):

CHEO Genetics Diagnostic Laboratory, Children's Hospital of Eastern Ontario
Classification: Uncertain significance for Cardiomyopathy. Last evaluated: 2019-10-07. Review status: criteria provided, single submitter. Criteria: ACMG Guidelines, 2015. Collection method: clinical testing. Allele origin: germline.

GeneDx
Classification: Uncertain significance. Last evaluated: 2019-08-02. Review status: criteria provided, single submitter. Criteria: GeneDx Variant Classification Process June 2021. Collection method: clinical testing. Allele origin: germline. Affected: yes.
Comment: Has not been previously published as pathogenic or benign to our knowledge; Not observed in large population cohorts (Lek et al., 2016); In silico analysis, which includes protein predictors and evolutionary conservation, supports a deleterious effect; This variant is associated with the following publications: (PMID: 31112419)

Labcorp Genetics (formerly Invitae), Labcorp
Classification: Uncertain significance for Hypertrophic cardiomyopathy 1. Last evaluated: 2018-09-17. Review status: criteria provided, single submitter. Criteria: Invitae Variant Classification Sherloc (09022015). Collection method: clinical testing. Allele origin: germline.
Comment: This sequence change replaces proline with leucine at codon 538 of the MYLK2 protein (p.Pro538Leu). The proline residue is highly conserved and there is a moderate physicochemical difference between proline and leucine. This variant is not present in population databases (ExAC no frequency). This variant has not been reported in the literature in individuals with MYLK2-related disease. Algorithms developed to predict the effect of missense changes on protein structure and function are either unavailable or do not agree on the potential impact of this missense change (SIFT: "Tolerated"; PolyPhen-2: "Probably Damaging"; Align-GVGD: "Class C0"). In summary, the available evidence is currently insufficient to determine the role of this variant in disease. Therefore, it has been classified as a Variant of Uncertain Significance.

NM_033118.4(MYLK2):c.1613C>T (p.Pro538Leu)

Gene: MYLK2 (myosin light chain kinase 2; plus strand). Cytogenetic location: 20q11.21.
Variant type: single nucleotide variant.
Coding change: c.1613C>T on transcript NM_033118.4 (MANE Select); coding-DNA position 1613, C replaced by T.
Protein change: p.Pro538Leu; replaces proline 538 with leucine.
Molecular consequence: missense variant.
Genome position (GRCh38, 1-based): chr20:31,832,039, C>T. VCF-style: chr20-31832039-C-T. GRCh37 (hg19) VCF-style: chr20-30419842-C-T.
Other names: short protein forms P538L.
Identifiers: ClinVar variation 639939 (VCV000639939.12), dbSNP rs1600414450, ClinGen allele CA408528290.
Genomic context (GRCh38, chr20:31,832,039, plus strand): 5'-CGTCACCATGCTGCCTCTCCCCCAGGGCCCGGATGAACGCTGCCCAGTGTCTCGCCCATC[C>T]CTGGCTCAACAACCTGGCGGAGAAAGCCAAACGCTGTAACCGACGCCTTAAGTCCCAGAT-3'
Protein context (NP_149109.1, residues 528-548): RMNAAQCLAH[Pro538Leu]WLNNLAEKAK